The following is an entry in ClinVar:

ClinVar aggregate classification (germline): Uncertain significance. Review status: criteria provided, multiple submitters, no conflicts (2 of 4 stars). 2 submissions from 2 submitters: Uncertain significance (2). Last evaluated 2022-07-12.

Allele frequency attached by ClinVar (database versions not stated): gnomAD 0.00001.
gnomAD v4.1: 8 of 1,535,202 alleles (0.00052%); highest among the groups gnomAD compares: South Asian, 0.006%; no homozygotes.

Submissions (2):

Labcorp Genetics (formerly Invitae), Labcorp
Classification: Uncertain significance. Last evaluated: 2022-07-12. Review status: criteria provided, single submitter. Criteria: Invitae Variant Classification Sherloc (09022015). Collection method: clinical testing. Allele origin: germline.
Comment: In summary, the available evidence is currently insufficient to determine the role of this variant in disease. Therefore, it has been classified as a Variant of Uncertain Significance. Algorithms developed to predict the effect of missense changes on protein structure and function output the following: SIFT: "Deleterious"; PolyPhen-2: "Not Available"; Align-GVGD: "Class C0". The serine amino acid residue is found in multiple mammalian species, which suggests that this missense change does not adversely affect protein function. ClinVar contains an entry for this variant (Variation ID: 1507443). This variant has not been reported in the literature in individuals affected with PDZD7-related conditions. This variant is present in population databases (no rsID available, gnomAD 0.004%). This sequence change replaces arginine, which is basic and polar, with serine, which is neutral and polar, at codon 1005 of the PDZD7 protein (p.Arg1005Ser).

Blueprint Genetics
Classification: Uncertain significance. Last evaluated: 2021-10-26. Review status: criteria provided, single submitter. Criteria: ACMG Guidelines, 2015. Collection method: clinical testing. Allele origin: germline.

NM_001195263.2(PDZD7):c.3015G>C (p.Arg1005Ser)

Gene: PDZD7 (PDZ domain containing 7; minus strand). Cytogenetic location: 10q24.31.
Variant type: single nucleotide variant.
Coding change: c.3015G>C on transcript NM_001195263.2 (MANE Select); coding-DNA position 3015, G replaced by C.
Protein change: p.Arg1005Ser; replaces arginine 1005 with serine.
Molecular consequence: missense variant.
Genome position (GRCh38, 1-based): chr10:101,008,554, C>G on the plus strand (G>C on the coding strand, the complement: PDZD7 is on the minus strand). VCF-style: chr10-101008554-C-G. GRCh37 (hg19) VCF-style: chr10-102768311-C-G.
Other names: short protein forms R1005S.
Identifiers: ClinVar variation 1507443 (VCV001507443.9), dbSNP rs890671396, ClinGen allele CA378222870.